The following is an entry in ClinVar:

ClinVar aggregate classification (germline): Uncertain significance. Review status: criteria provided, multiple submitters, no conflicts (2 of 4 stars). 2 submissions from 2 submitters: Uncertain significance (2). Last evaluated 2025-04-24.

Conditions:
Cardiovascular phenotype. Identifiers: MedGen CN230736.

Allele frequency attached by ClinVar (database versions not stated): gnomAD 0.00001; gnomAD exomes 0.00008; ExAC 0.00012; 1000 Genomes Project 30x 0.00016; 1000 Genomes Project 0.00020.

Submissions (2):

Ambry Genetics
Classification: Uncertain significance for Cardiovascular phenotype. Last evaluated: 2025-04-24. Review status: criteria provided, single submitter. Criteria: Ambry Variant Classification Scheme 2023. Collection method: clinical testing. Allele origin: germline.
Comment: The p.P1728T variant (also known as c.5182C>A), located in coding exon 12 of the ALPK3 gene, results from a C to A substitution at nucleotide position 5182. The proline at codon 1728 is replaced by threonine, an amino acid with highly similar properties. This amino acid position is conserved. In addition, this alteration is predicted to be tolerated by in silico analysis. Based on the available evidence, the clinical significance of this variant remains unclear.

Labcorp Genetics (formerly Invitae), Labcorp
Classification: Uncertain significance. Last evaluated: 2025-02-05. Review status: criteria provided, single submitter. Criteria: Invitae Variant Classification Sherloc (09022015). Collection method: clinical testing. Allele origin: germline.
Comment: This sequence change replaces proline, which is neutral and non-polar, with threonine, which is neutral and polar, at codon 1728 of the ALPK3 protein (p.Pro1728Thr). This variant is present in population databases (rs572228740, gnomAD 0.06%). This variant has not been reported in the literature in individuals affected with ALPK3-related conditions. ClinVar contains an entry for this variant (Variation ID: 1350762). Invitae Evidence Modeling of protein sequence and biophysical properties (such as structural, functional, and spatial information, amino acid conservation, physicochemical variation, residue mobility, and thermodynamic stability) indicates that this missense variant is expected to disrupt ALPK3 protein function with a positive predictive value of 80%. In summary, the available evidence is currently insufficient to determine the role of this variant in disease. Therefore, it has been classified as a Variant of Uncertain Significance.

NM_020778.5(ALPK3):c.4576C>A (p.Pro1526Thr)

Gene: ALPK3 (alpha kinase 3; plus strand). Cytogenetic location: 15q25.3.
Variant type: single nucleotide variant.
Coding change: c.4576C>A on transcript NM_020778.5 (MANE Select); coding-DNA position 4576, C replaced by A.
Protein change: p.Pro1526Thr; replaces proline 1526 with threonine.
Molecular consequence: missense variant.
Genome position (GRCh38, 1-based): chr15:84,864,518, C>A. VCF-style: chr15-84864518-C-A. GRCh37 (hg19) VCF-style: chr15-85407749-C-A.
Other names: c.5182C>A (NM_020778.4); short protein forms P1526T.
Identifiers: ClinVar variation 1350762 (VCV001350762.7), dbSNP rs572228740, ClinGen allele CA7710025.